The following is an entry in ClinVar:

ClinVar aggregate classification (germline): Uncertain significance (1 of 4 stars; one submission).

Conditions:
Hereditary spastic paraplegia 11. Also called: Spastic Paraplegia 11; SPASTIC PARAPLEGIA, AUTOSOMAL RECESSIVE, COMPLICATED, WITH THIN CORPUS CALLOSUM; SPASTIC PARAPLEGIA, AUTOSOMAL RECESSIVE, WITH MENTAL IMPAIRMENT AND THIN CORPUS CALLOSUM; Spastic paraplegia, mental retardation and thin corpus callosum; Nakamura Osame syndrome; Autosomal recessive hereditary spastic paraplegia, mental impairment, and thin corpus callosum. Identifiers: Orphanet 2822, MedGen C1858479, MONDO:0011445, OMIM 604360.

Allele frequency attached by ClinVar (database versions not stated): gnomAD exomes below 0.00001 and 0.00001.
gnomAD v4.1: 3 of 1,614,040 alleles (0.00019%); highest among the groups gnomAD compares: South Asian, 0.0022%; no homozygotes.

Submission:

Labcorp Genetics (formerly Invitae), Labcorp
Classification: Uncertain significance for Hereditary spastic paraplegia 11. Last evaluated: 2022-07-26. Review status: criteria provided, single submitter. Criteria: Invitae Variant Classification Sherloc (09022015). Collection method: clinical testing. Allele origin: germline.
Comment: This sequence change affects codon 1323 of the SPG11 mRNA. It is a 'silent' change, meaning that it does not change the encoded amino acid sequence of the SPG11 protein. This variant is present in population databases (no rsID available, gnomAD 0.006%). This variant has not been reported in the literature in individuals affected with SPG11-related conditions. ClinVar contains an entry for this variant (Variation ID: 1055502). Algorithms developed to predict the effect of sequence changes on RNA splicing suggest that this variant may disrupt the consensus splice site. In summary, the available evidence is currently insufficient to determine the role of this variant in disease. Therefore, it has been classified as a Variant of Uncertain Significance.

NM_025137.4(SPG11):c.3969A>G (p.Thr1323=)

Gene: SPG11 (SPG11 vesicle trafficking associated, spatacsin; minus strand). Cytogenetic location: 15q21.1.
Variant type: single nucleotide variant.
Coding change: c.3969A>G on transcript NM_025137.4 (MANE Select); coding-DNA position 3969, A replaced by G.
Protein change: p.Thr1323=; no amino-acid change (threonine 1323 retained).
Molecular consequence: synonymous variant.
Genome position (GRCh38, 1-based): chr15:44,598,297, T>C on the plus strand (A>G on the coding strand, the complement: SPG11 is on the minus strand). VCF-style: chr15-44598297-T-C. GRCh37 (hg19) VCF-style: chr15-44890495-T-C.
Other names: c.3969A>G, p.Thr1323= (NM_001160227.2).
Identifiers: ClinVar variation 1055502 (VCV001055502.6), dbSNP rs1188260876, ClinGen allele CA490207097.